The following is an entry in ClinVar:

ClinVar aggregate classification (germline): Benign. Review status: criteria provided, multiple submitters, no conflicts (2 of 4 stars). 2 submissions from 2 submitters: Benign (2). Last evaluated 2018-01-13.

Conditions:
Pseudohypoaldosteronism type 2C (PHA2C). Also called: Pseudohypoaldosteronism Type IIC. Identifiers: Orphanet 757, Orphanet 88940, MedGen C1840391, MONDO:0013778, OMIM 614492.

Allele frequency attached by ClinVar (database versions not stated): 1000 Genomes Project 30x 0.11680; TOPMed 0.11752; 1000 Genomes Project 0.11921; gnomAD 0.12853 and 0.13097; gnomAD exomes 0.15477.
gnomAD v4.1: 57,286 of 392,864 alleles (15%); highest among the groups gnomAD compares: Middle Eastern, 23%; 4,655 homozygotes.

Submissions (2):

Illumina Laboratory Services, Illumina
Classification: Benign for Pseudohypoaldosteronism type 2C. Last evaluated: 2018-01-13. Review status: criteria provided, single submitter. Criteria: ICSL Variant Classification Criteria 13 December 2019. Collection method: clinical testing. Allele origin: germline.
Comment: This variant was observed in the ICSL laboratory as part of a predisposition screen in an ostensibly healthy population. It had not been previously curated by ICSL or reported in the Human Gene Mutation Database (HGMD: prior to June 1st, 2018), and was therefore a candidate for classification through an automated scoring system. Utilizing variant allele frequency, disease prevalence and penetrance estimates, and inheritance mode, an automated score was calculated to assess if this variant is too frequent to cause the disease. Based on the score and internal cut-off values, a variant classified as benign is not then subjected to further curation. The score for this variant resulted in a classification of benign for this disease.

Breakthrough Genomics
Classification: Benign. Review status: criteria provided, single submitter. Criteria: ACMG Guidelines, 2015. Collection method: not provided. Allele origin: germline. Inheritance: Autosomal recessive inheritance. Affected: yes.

NM_018979.4(WNK1):c.*2308T>C

Gene: WNK1 (WNK lysine deficient protein kinase 1; plus strand). Cytogenetic location: 12p13.33.
Variant type: single nucleotide variant.
Coding change: c.*2308T>C on transcript NM_018979.4 (MANE Select); 2308 bases downstream of the stop codon, T replaced by C.
Molecular consequence: 3 prime UTR variant.
Genome position (GRCh38, 1-based): chr12:911,100, T>C. VCF-style: chr12-911100-T-C. GRCh37 (hg19) VCF-style: chr12-1020266-T-C.
Other names: c.*2308T>C (NM_001184985.2, NM_014823.3, NM_213655.5).
Identifiers: ClinVar variation 306723 (VCV000306723.6), dbSNP rs1060499, ClinGen allele CA10642599.
Genomic context (GRCh38, chr12:911,100, plus strand): 5'-GTTTAATAATAATTTTGACATCTTTTCACTCATACACAAAAAAAGTCAGAACTGGTGTTA[T>C]TTACTGTTGATTTCATCCTCCTGTGTATGAAATAACAAGCCTAGAGGAATGAACTAGTGC-3'